The following is an entry in ClinVar:

NM_015629.4(PRPF31):c.1318dup (p.Thr440fs)

Gene: PRPF31 (pre-mRNA processing factor 31; plus strand). Cytogenetic location: 19q13.42.
Variant type: Duplication.
Coding change: c.1318dup on transcript NM_015629.4 (MANE Select); coding-DNA position 1318, one base duplicated (A; older notation c.1318dupA).
Protein change: p.Thr440fs; shifts the reading frame from threonine 440.
Molecular consequence: frameshift variant.
Genome position (GRCh38, 1-based): chr19:54,129,314, A duplicated. VCF-style (leftmost placement, unchanged base first): chr19-54129313-C-CA. GRCh37 (hg19) VCF-style: chr19-54632688-C-CA.
Other names: short protein forms T440fs.
Identifiers: ClinVar variation 2105956 (VCV002105956.4), dbSNP rs2516208488, ClinGen allele CA2580097825.
Genomic context (GRCh38, chr19:54,129,313, plus strand): 5'-CTCCCTGTCCTCCCCACAGCGGACCCTGCAGAAGCAGAGCGTCGTATATGGCGGGAAGTC[C>CA]ACCATCCGCGACCGCTCCTCGGGCACGGCCTCCAGCGTGGCCTTCACCCCACTCCAGGTA-3'

ClinVar aggregate classification (germline): Uncertain significance (1 of 4 stars; one submission).

Submission:

Labcorp Genetics (formerly Invitae), Labcorp
Classification: Uncertain significance. Last evaluated: 2022-03-04. Review status: criteria provided, single submitter. Criteria: Invitae Variant Classification Sherloc (09022015). Collection method: clinical testing. Allele origin: germline.
Comment: In summary, the available evidence is currently insufficient to determine the role of this variant in disease. Therefore, it has been classified as a Variant of Uncertain Significance. This variant has not been reported in the literature in individuals affected with PRPF31-related conditions. This variant is not present in population databases (gnomAD no frequency). This sequence change creates a premature translational stop signal (p.Thr440Asnfs*35) in the PRPF31 gene. While this is not anticipated to result in nonsense mediated decay, it is expected to disrupt the last 60 amino acid(s) of the PRPF31 protein.